The following is an entry in ClinVar:

ClinVar aggregate classification (germline): Pathogenic/Likely pathogenic. Review status: criteria provided, multiple submitters, no conflicts (2 of 4 stars). 3 submissions from 3 submitters: Pathogenic (2); Likely pathogenic (1). Last evaluated 2025-08-09.

Conditions:
Pseudo-Hurler polydystrophy. Also called: ML III; ML III ALPHA/BETA; MUCOLIPIDOSIS IIIA; Type III Mucolipidosis; ML IIIA; Mucolipidosis III Alpha/Beta. Identifiers: Orphanet 423461, Orphanet 577, MedGen C0033788, MONDO:0018931, OMIM 252600.
Mucolipidosis type II. Also called: ML II ALPHA/BETA; Mucolipidosis II Alpha/Beta; Mucolipidosis 2; ML 2; Inclusion cell disease; Leroy Disease. Identifiers: Orphanet 576, MedGen C2673377, MONDO:0009650, OMIM 252500.

Allele frequency attached by ClinVar (database versions not stated): gnomAD exomes below 0.00001; TOPMed below 0.00001; gnomAD 0.00001.

Submissions (3):

Natera, Inc.
Classification: Pathogenic for Mucolipidosis type II. Last evaluated: 2025-08-09. Review status: criteria provided, single submitter. Criteria: Natera Variant Classification Schema (03/2026). Collection method: clinical testing. Allele origin: germline.
Comment: The c.2502del variant in GNPTAB is a frameshift variant predicted to shift the reading frame beginning at codon 834 and leads to a stop codon 5 codons downstream. This variant is expected to result in nonsense mediated decay, truncation, or a dysfunctional protein product. This variant is rare in the general population with a frequency below the threshold expected for the associated phenotype(s). This variant has been observed in one or more individuals affected with the associated recessive disease, as either homozygous or compound heterozygous with a second variant (PMID: 34341521). Given the available evidence, this variant is classified as Pathogenic.

Labcorp Genetics (formerly Invitae), Labcorp
Classification: Pathogenic for Pseudo-Hurler polydystrophy; Mucolipidosis type II. Last evaluated: 2023-08-04. Review status: criteria provided, single submitter. Criteria: Invitae Variant Classification Sherloc (09022015). Collection method: clinical testing. Allele origin: germline.
Comment: This sequence change creates a premature translational stop signal (p.Lys834Asnfs*5) in the GNPTAB gene. It is expected to result in an absent or disrupted protein product. Loss-of-function variants in GNPTAB are known to be pathogenic (PMID: 19617216, 25107912). This variant is not present in population databases (gnomAD no frequency). This variant has not been reported in the literature in individuals affected with GNPTAB-related conditions. ClinVar contains an entry for this variant (Variation ID: 1709767). For these reasons, this variant has been classified as Pathogenic.

MGZ Medical Genetics Center
Classification: Likely pathogenic for Pseudo-Hurler polydystrophy. Last evaluated: 2021-09-02. Review status: criteria provided, single submitter. Criteria: ACMG Guidelines, 2015. Collection method: clinical testing. Allele origin: germline. Affected: yes. Observed: 1 variant allele.
Comment: ACMG criteria applied: PVS1, PM2_SUP

Literature cited by the submitters: PubMed 34341521 (cited by Natera, Inc.); PubMed 19617216 (cited by Labcorp Genetics (formerly Invitae), Labcorp); PubMed 25107912 (cited by Labcorp Genetics (formerly Invitae), Labcorp).

NM_024312.5(GNPTAB):c.2502del (p.Lys834fs)

Gene: GNPTAB (N-acetylglucosamine-1-phosphate transferase subunits alpha and beta; minus strand). Cytogenetic location: 12q23.2.
Variant type: Deletion.
Coding change: c.2502del on transcript NM_024312.5 (MANE Select); coding-DNA position 2502, one base deleted (G; older notation c.2502delG).
Protein change: p.Lys834fs; shifts the reading frame from lysine 834.
Molecular consequence: frameshift variant.
Genome position (GRCh38, 1-based): chr12:101,764,415, C deleted on the plus strand (G on the coding strand, the reverse complement: GNPTAB is on the minus strand). VCF-style (leftmost placement, unchanged base first): chr12-101764414-GC-G. GRCh37 (hg19) VCF-style: chr12-102158192-GC-G.
Other names: c.2502del (NM_024312.4); short protein forms K834fs.
Identifiers: ClinVar variation 1709767 (VCV001709767.5), dbSNP rs1953053396, ClinGen allele CA481576759.